The following is an entry in ClinVar:

NM_198253.3(TERT):c.206C>T (p.Pro69Leu)

Genes: TERT (telomerase reverse transcriptase; minus strand), LOC110806263 (TERT 5' regulatory region; plus strand). Cytogenetic location: 5p15.33.
Variant type: single nucleotide variant.
Coding change: c.206C>T on transcript NM_198253.3 (MANE Select); coding-DNA position 206, C replaced by T.
Protein change: p.Pro69Leu; replaces proline 69 with leucine.
Molecular consequence: missense variant. On other transcripts: non-coding transcript variant (2).
Genome position (GRCh38, 1-based): chr5:1,294,784, G>A on the plus strand (C>T on the coding strand, the complement: TERT is on the minus strand). VCF-style: chr5-1294784-G-A. GRCh37 (hg19) VCF-style: chr5-1294899-G-A.
Other names: c.206C>T, p.Pro69Leu (NM_001193376.3, NM_003219.1); short protein forms P69L.
Identifiers: ClinVar variation 2447517 (VCV002447517.5), dbSNP rs2478432543, ClinGen allele CA359058803.

ClinVar aggregate classification (germline): Uncertain significance. Review status: criteria provided, multiple submitters, no conflicts (2 of 4 stars). 2 submissions from 2 submitters: Uncertain significance (2). Last evaluated 2023-11-10.

Conditions:
Dyskeratosis congenita. Identifiers: Orphanet 1775, MedGen C0265965, MONDO:0015780.
Dyskeratosis congenita, autosomal dominant 2. Identifiers: MedGen C3151443, MONDO:0013521, OMIM 613989.
Idiopathic Pulmonary Fibrosis. Also called: Idiopathic fibrosing alveolitis, chronic form; idiopathic fibrosing alveolitis. Identifiers: Orphanet 2032, MedGen C1800706, MeSH D054990, MONDO:0800504.

Submissions (2):

Labcorp Genetics (formerly Invitae), Labcorp
Classification: Uncertain significance for Dyskeratosis congenita, autosomal dominant 2; Idiopathic Pulmonary Fibrosis. Last evaluated: 2023-11-10. Review status: criteria provided, single submitter. Criteria: Invitae Variant Classification Sherloc (09022015). Collection method: clinical testing. Allele origin: germline.
Comment: This sequence change replaces proline, which is neutral and non-polar, with leucine, which is neutral and non-polar, at codon 69 of the TERT protein (p.Pro69Leu). This variant is not present in population databases (gnomAD no frequency). This variant has not been reported in the literature in individuals affected with TERT-related conditions. ClinVar contains an entry for this variant (Variation ID: 2447517). Algorithms developed to predict the effect of missense changes on protein structure and function output the following: SIFT: "Not Available"; PolyPhen-2: "Benign"; Align-GVGD: "Not Available". The leucine amino acid residue is found in multiple mammalian species, which suggests that this missense change does not adversely affect protein function. In summary, the available evidence is currently insufficient to determine the role of this variant in disease. Therefore, it has been classified as a Variant of Uncertain Significance.

Ambry Genetics
Classification: Uncertain significance for Dyskeratosis congenita. Last evaluated: 2022-12-19. Review status: criteria provided, single submitter. Criteria: Ambry Variant Classification Scheme 2023. Collection method: clinical testing. Allele origin: germline.
Comment: The p.P69L variant (also known as c.206C>T), located in coding exon 1 of the TERT gene, results from a C to T substitution at nucleotide position 206. The proline at codon 69 is replaced by leucine, an amino acid with similar properties. This amino acid position is conserved. In addition, this alteration is predicted to be tolerated by in silico analysis. Since supporting evidence is limited at this time, the clinical significance of this alteration remains unclear.